The following is an entry in ClinVar:

ClinVar aggregate classification (germline): Likely benign. Review status: criteria provided, single submitter (1 of 4 stars). 2 submissions from 2 submitters: Likely benign (1). 1 of the submissions does not count toward it. Last evaluated 2025-08-05.

Conditions:
CACNA2D3-related disorder. Also called: CACNA2D3-related condition.

Allele frequency attached by ClinVar (database versions not stated): gnomAD exomes 0.00008; ExAC 0.00022; ESP Exome Variant Server 0.00041; gnomAD 0.00058; TOPMed 0.00072; 1000 Genomes Project 0.00120; 1000 Genomes Project 30x 0.00125.
gnomAD v4.1: 205 of 1,613,986 alleles (0.013%); highest among the groups gnomAD compares: African/African-American, 0.23%; no homozygotes.

Submissions (2):

Ambry Genetics
Classification: Likely benign. Last evaluated: 2025-08-05. Review status: criteria provided, single submitter. Criteria: Ambry Variant Classification Scheme 2023. Collection method: clinical testing. Allele origin: germline.

PreventionGenetics, part of Exact Sciences
Classification: Likely benign for CACNA2D3-related condition. Last evaluated: 2024-01-02. Review status: no assertion criteria provided. Collection method: clinical testing. Allele origin: germline. Not counted in ClinVar's aggregate classification.
Comment: This variant is classified as likely benign based on ACMG/AMP sequence variant interpretation guidelines (Richards et al. 2015 PMID: 25741868, with internal and published modifications).

NM_018398.3(CACNA2D3):c.2286C>T (p.Asn762=)

Genes: CACNA2D3 (calcium voltage-gated channel auxiliary subunit alpha2delta 3; plus strand), CACNA2D3-AS1 (CACNA2D3 antisense RNA 1; minus strand). Cytogenetic location: 3p14.3.
Variant type: single nucleotide variant.
Coding change: c.2286C>T on transcript NM_018398.3 (MANE Select); coding-DNA position 2286, C replaced by T.
Protein change: p.Asn762=; no amino-acid change (asparagine 762 retained).
Molecular consequence: synonymous variant. On other transcripts: non-coding transcript variant (1).
Genome position (GRCh38, 1-based): chr3:54,896,788, C>T. VCF-style: chr3-54896788-C-T. GRCh37 (hg19) VCF-style: chr3-54930815-C-T.
Identifiers: ClinVar variation 3058065 (VCV003058065.3), dbSNP rs35430406, ClinGen allele CA2458168.